The following is an entry in ClinVar:

NM_001182.5(ALDH7A1):c.192+3A>T

Gene: ALDH7A1 (aldehyde dehydrogenase 7 family member A1; minus strand). Cytogenetic location: 5q23.2.
Variant type: single nucleotide variant.
Coding change: c.192+3A>T on transcript NM_001182.5 (MANE Select); 3 bases into the intron after coding-DNA position 192, A replaced by T.
Molecular consequence: intron variant.
Genome position (GRCh38, 1-based): chr5:126,595,004, T>A on the plus strand (A>T on the coding strand, the complement: ALDH7A1 is on the minus strand). VCF-style: chr5-126595004-T-A. GRCh37 (hg19) VCF-style: chr5-125930696-T-A.
Other names: c.192+3A>T (NM_001202404.2); c.108+3A>T (NM_001201377.2).
Identifiers: ClinVar variation 465326 (VCV000465326.9), dbSNP rs773814169, ClinGen allele CA3389907.

ClinVar aggregate classification (germline): Pathogenic/Likely pathogenic. Review status: criteria provided, multiple submitters, no conflicts (2 of 4 stars). 3 submissions from 3 submitters: Pathogenic (2); Likely pathogenic (1). Last evaluated 2025-09-10.

Conditions:
Inborn genetic diseases. Identifiers: MedGen C0950123, MeSH D030342.
Pyridoxine-dependent epilepsy (EPEO4). Also called: Pyridoxine-Dependent Seizures; PYRIDOXINE DEPENDENCY WITH SEIZURES; EPILEPSY, EARLY-ONSET, 4, VITAMIN B6-DEPENDENT; Pyridoxine-Dependent Epilepsy - ALDH7A1. Identifiers: Orphanet 3006, MedGen C1849508, MONDO:0009945, OMIM 266100. Disease mechanism: loss of function.

Allele frequency attached by ClinVar (database versions not stated): gnomAD exomes 0.00001 and below 0.00001; ExAC 0.00003.
gnomAD v4.1: 10 of 1,595,132 alleles (0.00063%); highest among the groups gnomAD compares: East Asian, 0.023%; no homozygotes.

Submissions (3):

Ambry Genetics
Classification: Pathogenic for Inborn genetic diseases. Last evaluated: 2025-09-10. Review status: criteria provided, single submitter. Criteria: Ambry Variant Classification Scheme 2023. Collection method: clinical testing. Allele origin: germline.
Comment: The c.192+3A>T intronic alteration consists of an A to T substitution 3 nucleotides after coding exon 1 in the ALDH7A1 gene. Based on data from gnomAD, the T allele has an overall frequency of <0.001% (1/221806) total alleles studied. The highest observed frequency was 0.006% (1/16690) of East Asian alleles. This variant has been identified in the homozygous state and/or in conjunction with other ALDH7A1 variant(s) in individual(s) with features consistent with Pyridoxine-dependent epilepsy (Kanno, 2007; Ko, 2018; Yanagishita, 2019; Won, 2020; external communication). This nucleotide position is highly conserved in available vertebrate species. In silico splice site analysis predicts that this alteration will weaken the native splice donor site. Based on the available evidence, this alteration is classified as pathogenic.

3billion
Classification: Likely pathogenic for Pyridoxine-dependent epilepsy. Last evaluated: 2025-06-26. Review status: criteria provided, single submitter. Criteria: ACMG Guidelines, 2015. Collection method: clinical testing. Allele origin: germline. Affected: yes.
Comment: The variant is observed at an extremely low frequency in the gnomAD v4.1.0 dataset (total allele frequency: <0.001%). Predicted Consequence/Location: Intron variant In silico tools predict the variant to alter splicing and produce an abnormal transcript [SpliceAI: 0.76 (>=0.2, moderate evidence for spliceogenicity)]. The variant has been reported to be in trans with a pathogenic variant as either compound heterozygous or homozygous in at least one similarly affected unrelated individual (PMID: 17433748). The variant has been reported to be associated with ALDH7A1-related disorder (ClinVar ID: VCV000465326 /PMID: 17433748). Therefore, this variant is classified as Likely pathogenic according to the recommendation of ACMG/AMP guideline.

Labcorp Genetics (formerly Invitae), Labcorp
Classification: Pathogenic for Pyridoxine-dependent epilepsy. Last evaluated: 2023-08-04. Review status: criteria provided, single submitter. Criteria: Invitae Variant Classification Sherloc (09022015). Collection method: clinical testing. Allele origin: germline.
Comment: ClinVar contains an entry for this variant (Variation ID: 465326). This variant is also known as IVS1+3A>T. This variant has been observed in individual(s) with pyridoxine-dependent seizures (PMID: 17433748; Invitae). This variant is present in population databases (rs773814169, gnomAD 0.006%). This sequence change falls in intron 1 of the ALDH7A1 gene. It does not directly change the encoded amino acid sequence of the ALDH7A1 protein. It affects a nucleotide within the consensus splice site. Variants that disrupt the consensus splice site are a relatively common cause of aberrant splicing (PMID: 17576681, 9536098). Algorithms developed to predict the effect of sequence changes on RNA splicing suggest that this variant may disrupt the consensus splice site. For these reasons, this variant has been classified as Pathogenic.

Literature cited by the submitters: PubMed 2945505 (cited by Ambry Genetics); PubMed 17433748 (cited by 3 submitters); PubMed 29455050 (cited by Ambry Genetics); PubMed 32695065 (cited by Ambry Genetics); PubMed 17576681 (cited by Labcorp Genetics (formerly Invitae), Labcorp); PubMed 9536098 (cited by Labcorp Genetics (formerly Invitae), Labcorp).